The following is an entry in ClinVar:

ClinVar aggregate classification (germline): Uncertain significance. Review status: criteria provided, multiple submitters, no conflicts (2 of 4 stars). 7 submissions from 7 submitters: Uncertain significance (6). 1 of the submissions does not count toward it. Last evaluated 2025-12-24.

Conditions:
Hereditary cancer-predisposing syndrome. Also called: Hereditary Cancer Syndrome; Neoplastic Syndromes, Hereditary; Tumor predisposition; Hereditary neoplastic syndrome. Identifiers: Orphanet 140162, MedGen C0027672, MeSH D009386, MONDO:0015356.
Familial cancer of breast. Also called: BREAST CANCER, FAMILIAL; Hereditary breast cancer; hereditary breast carcinoma. Identifiers: Orphanet 227535, MedGen C0346153, MONDO:0016419, OMIM 114480. Disease mechanism: loss of function.
Ataxia-telangiectasia syndrome (AT). Also called: Ataxia-telangiectasia, complementation group D; AT, COMPLEMENTATION GROUP C; ATAXIA-TELANGIECTASIA, COMPLEMENTATION GROUP A; ATAXIA-TELANGIECTASIA, FRESNO VARIANT; Ataxia-telangiectasia; LOUIS-BAR SYNDROME. Identifiers: Orphanet 100, MedGen C0004135, MONDO:0008840, OMIM 208900.

Allele frequency attached by ClinVar (database versions not stated): gnomAD exomes below 0.00001; TOPMed below 0.00001; ExAC 0.00001; gnomAD 0.00001.
gnomAD v4.1: 4 of 1,613,464 alleles (0.00025%); highest among the groups gnomAD compares: Non-Finnish European, 0.00034%; no homozygotes.

Submissions (7):

Labcorp Genetics (formerly Invitae), Labcorp
Classification: Uncertain significance for Ataxia-telangiectasia syndrome. Last evaluated: 2025-12-24. Review status: criteria provided, single submitter. Criteria: Invitae Variant Classification Sherloc (09022015). Collection method: clinical testing. Allele origin: germline.
Comment: This sequence change replaces valine, which is neutral and non-polar, with isoleucine, which is neutral and non-polar, at codon 27 of the ATM protein (p.Val27Ile). This variant is present in population databases (rs754770960, gnomAD 0.002%). This missense change has been observed in individual(s) with breast and/or ovarian cancer (PMID: 27913932). ClinVar contains an entry for this variant (Variation ID: 185887). Invitae Evidence Modeling of protein sequence and biophysical properties (such as structural, functional, and spatial information, amino acid conservation, physicochemical variation, residue mobility, and thermodynamic stability) indicates that this missense variant is not expected to disrupt ATM protein function with a negative predictive value of 95%. In summary, the available evidence is currently insufficient to determine the role of this variant in disease. Therefore, it has been classified as a Variant of Uncertain Significance.

Center for Genomic Medicine, Rigshospitalet, Copenhagen University Hospital
Classification: Uncertain significance. Last evaluated: 2025-03-04. Review status: criteria provided, single submitter. Criteria: ACMG Guidelines, 2015. Collection method: clinical testing. Allele origin: germline.

Color Diagnostics, LLC DBA Color Health
Classification: Uncertain significance for Hereditary cancer-predisposing syndrome. Last evaluated: 2024-08-19. Review status: criteria provided, single submitter. Criteria: ACMG Guidelines, 2015. Collection method: clinical testing. Allele origin: germline.
Comment: This missense variant replaces valine with isoleucine at codon 27 of the ATM protein. Computational prediction suggests that this variant may not impact protein structure and function. To our knowledge, functional studies have not been reported for this variant. This variant has been reported in a family affected with hereditary breast and ovarian cancer (PMID: 27913932). This variant has been identified in 2/282442 chromosomes in the general population by the Genome Aggregation Database (gnomAD). The available evidence is insufficient to determine the role of this variant in disease conclusively. Therefore, this variant is classified as a Variant of Uncertain Significance.

Baylor Genetics
Classification: Uncertain significance for Familial cancer of breast. Last evaluated: 2024-03-27. Review status: criteria provided, single submitter. Criteria: ACMG Guidelines, 2015. Collection method: clinical testing. Allele origin: unknown.

Ambry Genetics
Classification: Uncertain significance for Hereditary cancer-predisposing syndrome. Last evaluated: 2023-12-11. Review status: criteria provided, single submitter. Criteria: Ambry Variant Classification Scheme 2023. Collection method: clinical testing. Allele origin: germline.
Comment: The p.V27I variant (also known as c.79G>A), located in coding exon 2 of the ATM gene, results from a G to A substitution at nucleotide position 79. The valine at codon 27 is replaced by isoleucine, an amino acid with highly similar properties. This alteration was identified in a Spanish breast and/or ovarian cancer family (Tavera-Tapia A et al. Breast Cancer Res Treat, 2017 02;161:597-604). This amino acid position is not well conserved in available vertebrate species. In addition, this alteration is predicted to be tolerated by in silico analysis. Since supporting evidence is limited at this time, the clinical significance of this alteration remains unclear.

GeneDx
Classification: Uncertain significance. Last evaluated: 2016-03-14. Review status: criteria provided, single submitter. Criteria: GeneDx Variant Classification (06012015). Collection method: clinical testing. Allele origin: germline. Affected: yes.
Comment: This variant is denoted ATM c.79G>A at the cDNA level, p.Val27Ile (V27I) at the protein level, and results in the change of a Valine to an Isoleucine (GTT>ATT). This variant has not, to our knowledge, been published in the literature as pathogenic or benign. ATM Val27Ile was not observed in approximately 6,500 individuals of European and African American ancestry in the NHLBI Exome Sequencing Project, suggesting it is not a common benign variant in these populations. Since Valine and Isoleucine share similar properties, this is considered a conservative amino acid substitution. ATM Val27Ile occurs at a position where amino acids with properties similar to Valine are tolerated across species and is not located in a known functional domain (UniProt). In silico analyses predict that this variant is unlikely to alter protein structure or function. Based on currently available evidence, it is unclear whether ATM Val27Ile is a pathogenic or benign variant. We consider it to be a variant of uncertain significance.

Natera, Inc.
Classification: Uncertain significance for Ataxia-telangiectasia. Last evaluated: 2020-12-21. Review status: no assertion criteria provided. Collection method: clinical testing. Allele origin: germline. Not counted in ClinVar's aggregate classification.

Literature cited by the submitters: PubMed 27913932 (cited by 3 submitters).

NM_000051.4(ATM):c.79G>A (p.Val27Ile)

Gene: ATM (ATM serine/threonine kinase; plus strand). Cytogenetic location: 11q22.3.
Variant type: single nucleotide variant.
Coding change: c.79G>A on transcript NM_000051.4 (MANE Select); coding-DNA position 79, G replaced by A.
Protein change: p.Val27Ile; replaces valine 27 with isoleucine.
Molecular consequence: missense variant.
Genome position (GRCh38, 1-based): chr11:108,227,782, G>A. VCF-style: chr11-108227782-G-A. GRCh37 (hg19) VCF-style: chr11-108098509-G-A.
Other names: c.79G>A, p.Val27Ile (NM_001351834.2, NM_001351835.2, NM_001351836.2); short protein forms V27I.
Identifiers: ClinVar variation 185887 (VCV000185887.25), dbSNP rs754770960, ClinGen allele CA193258.